The following is an entry in ClinVar:

ClinVar aggregate classification (germline): Uncertain significance (1 of 4 stars; one submission).

Submission:

Ambry Genetics
Classification: Uncertain significance. Last evaluated: 2026-07-05. Review status: criteria provided, single submitter. Criteria: Ambry Variant Classification Scheme 2023. Collection method: clinical testing. Allele origin: germline.
Comment: The p.A551V variant (also known as c.1652C>T), located in coding exon 11 of the RINT1 gene, results from a C to T substitution at nucleotide position 1652. The alanine at codon 551 is replaced by valine, an amino acid with similar properties. This amino acid position is conserved. In addition, this alteration is predicted to be tolerated by in silico analysis. Based on the available evidence, the clinical significance of this variant remains unclear.

NM_021930.6(RINT1):c.1652C>T (p.Ala551Val)

Gene: RINT1 (RAD50 interactor 1; plus strand). Cytogenetic location: 7q22.3.
Variant type: single nucleotide variant.
Coding change: c.1652C>T on transcript NM_021930.6 (MANE Select); coding-DNA position 1652, C replaced by T.
Protein change: p.Ala551Val; replaces alanine 551 with valine.
Molecular consequence: missense variant.
Genome position (GRCh38, 1-based): chr7:105,555,208, C>T. VCF-style: chr7-105555208-C-T. GRCh37 (hg19) VCF-style: chr7-105195655-C-T.
Other names: c.1418C>T, p.Ala473Val (NM_001346599.2); c.629C>T, p.Ala210Val (NM_001346600.2, NM_001346603.2); c.728C>T, p.Ala243Val (NM_001346601.2); short protein forms A551V, A210V, A243V, A473V.
Identifiers: ClinVar variation 5028274 (VCV005028274.1).